The following is an entry in ClinVar:

NM_004523.4(KIF11):c.565C>T (p.Arg189Cys)

Gene: KIF11 (kinesin family member 11; plus strand). Cytogenetic location: 10q23.33.
Variant type: single nucleotide variant.
Coding change: c.565C>T on transcript NM_004523.4 (MANE Select); coding-DNA position 565, C replaced by T.
Protein change: p.Arg189Cys; replaces arginine 189 with cysteine.
Molecular consequence: missense variant.
Genome position (GRCh38, 1-based): chr10:92,609,197, C>T. VCF-style: chr10-92609197-C-T. GRCh37 (hg19) VCF-style: chr10-94368954-C-T.
Other names: short protein forms R189C.
Identifiers: ClinVar variation 4991535 (VCV004991535.1).

ClinVar aggregate classification (germline): Uncertain significance (1 of 4 stars; one submission).

Conditions:
KIF11-related disorder. Also called: KIF11-related condition.

Submission:

PreventionGenetics, part of Exact Sciences
Classification: Uncertain significance for KIF11-related condition. Last evaluated: 2025-12-17. Review status: criteria provided, single submitter. Criteria: ACMG Guidelines, 2015. Collection method: clinical testing. Allele origin: germline.
Comment: The KIF11 c.565C>T variant is predicted to result in the amino acid substitution p.Arg189Cys. This variant has been reported as a de novo variant in an individual undergoing diagnostic exome sequencing but detailed phenotype information was not provided (Supplementary table 7, Stranneheim et al. 2021. PubMed ID: 33726816). This variant has not been reported in a large population database (gnomAD), indicating this variant is rare. At this time, the clinical significance of this variant is uncertain due to the absence of conclusive functional and genetic evidence.